The following is an entry in ClinVar:

ClinVar aggregate classification (germline): Benign/Likely benign. Review status: criteria provided, multiple submitters, no conflicts (2 of 4 stars). 12 submissions from 10 submitters: Benign (4); Likely benign (5). 3 of the submissions do not count toward it. Last evaluated 2026-01-26.

Conditions:
Kidney disorder. Also called: Kidney disease; Kidney Diseases; renal disorder; Nephropathy; renal disease. Identifiers: MedGen C0022658, MONDO:0005240, HP:0000112.
Nephronophthisis. Also called: Juvenile Nephronophthisis. Identifiers: Orphanet 655, MedGen C0687120, MONDO:0019005, HP:0000090.
Nephronophthisis 3 (NPHP3). Also called: Adolescent nephronophthisis. Identifiers: Orphanet 655, MedGen C1858392, MONDO:0011456, OMIM 604387.
NPHP3-related Meckel-like syndrome. Also called: GOLDSTON SYNDROME; Meckel syndrome type 7. Identifiers: Orphanet 3032, MedGen C2673885, MONDO:0009966, OMIM 267010.
Renal-hepatic-pancreatic dysplasia 1 (RHPD1). Identifiers: MedGen C3715199, MONDO:0008833, OMIM 208540.

Allele frequency attached by ClinVar (database versions not stated): ESP Exome Variant Server 0.00077; gnomAD 0.00142; TOPMed 0.00247; 1000 Genomes Project 30x 0.00328; 1000 Genomes Project 0.00419.
gnomAD v4.1: 1,504 of 1,599,856 alleles (0.094%); highest among the groups gnomAD compares: East Asian, 2.2%; 14 homozygotes.

Submissions (12):

Labcorp Genetics (formerly Invitae), Labcorp
Classification: Benign for Nephronophthisis. Last evaluated: 2026-01-26. Review status: criteria provided, single submitter. Criteria: Invitae Variant Classification Sherloc (09022015). Collection method: clinical testing. Allele origin: germline.

Mayo Clinic Laboratories, Mayo Clinic
Classification: Benign. Last evaluated: 2025-08-15. Review status: criteria provided, single submitter. Criteria: ACMG Guidelines, 2015. Collection method: clinical testing. Allele origin: germline. Observed: 3 variant alleles.
Comment: BA1, BS2

Blueprint Genetics
Classification: Likely benign. Last evaluated: 2024-11-14. Review status: criteria provided, single submitter. Criteria: ACMG Guidelines, 2015. Collection method: clinical testing. Allele origin: germline.

Genome Diagnostics Laboratory, The Hospital for Sick Children
Classification: Likely benign for Kidney disorder. Last evaluated: 2017-12-01. Review status: criteria provided, single submitter. Criteria: ACMG Guidelines, 2015. Collection method: clinical testing. Allele origin: germline.

GeneDx
Classification: Likely benign. Last evaluated: 2017-08-16. Review status: criteria provided, single submitter. Criteria: GeneDx Variant Classification (06012015). Collection method: clinical testing. Allele origin: germline. Affected: yes.
Comment: This variant is considered likely benign or benign based on one or more of the following criteria: it is a conservative change, it occurs at a poorly conserved position in the protein, it is predicted to be benign by multiple in silico algorithms, and/or has population frequency not consistent with disease.

Illumina Laboratory Services, Illumina
Classification: Benign for Renal-hepatic-pancreatic dysplasia 1. Last evaluated: 2017-04-27. Review status: criteria provided, single submitter. Criteria: ICSL Variant Classification Criteria 13 December 2019. Collection method: clinical testing. Allele origin: germline.
Comment: This variant was observed as part of a predisposition screen in an ostensibly healthy population. A literature search was performed for the gene, cDNA change, and amino acid change (where applicable). No publications were found based on this search. Allele frequency data from public databases was too high to be consistent with this variant causing disease. Therefore, this variant is classified as benign.

Illumina Laboratory Services, Illumina
Classification: Benign for Nephronophthisis 3. Last evaluated: 2017-04-27. Review status: criteria provided, single submitter. Criteria: ICSL Variant Classification Criteria 13 December 2019. Collection method: clinical testing. Allele origin: germline.
Comment: the same text as in the submission from Illumina Laboratory Services, Illumina above.

Illumina Laboratory Services, Illumina
Classification: Likely benign for NPHP3-related Meckel-like syndrome. Last evaluated: 2017-04-27. Review status: criteria provided, single submitter. Criteria: ICSL Variant Classification Criteria 13 December 2019. Collection method: clinical testing. Allele origin: germline.
Comment: This variant was observed as part of a predisposition screen in an ostensibly healthy population. A literature search was performed for the gene, cDNA change, and amino acid change (where applicable). No publications were found based on this search. Allele frequency data from public databases allowed determination this variant is unlikely to cause disease. Therefore, this variant is classified as likely benign.

Breakthrough Genomics
Classification: Likely benign. Review status: criteria provided, single submitter. Criteria: ACMG Guidelines, 2015. Collection method: not provided. Allele origin: germline. Inheritance: Autosomal recessive inheritance. Affected: yes.

Clinical Genetics DNA and cytogenetics Diagnostics Lab, Erasmus MC, Erasmus Medical Center
Classification: Likely benign. Review status: no assertion criteria provided. Collection method: clinical testing. Allele origin: germline. Affected: yes. Study: VKGL Data-share Consensus. Not counted in ClinVar's aggregate classification.

Clinical Genetics, Academic Medical Center
Classification: Benign. Review status: no assertion criteria provided. Collection method: clinical testing. Allele origin: germline. Affected: yes. Study: VKGL Data-share Consensus. Not counted in ClinVar's aggregate classification.

Genome Diagnostics Laboratory, University Medical Center Utrecht
Classification: Likely benign. Review status: no assertion criteria provided. Collection method: clinical testing. Allele origin: germline. Affected: yes. Study: VKGL Data-share Consensus. Not counted in ClinVar's aggregate classification.

Literature cited by the submitters: PubMed 31630094 (cited by Mayo Clinic Laboratories, Mayo Clinic).

NM_153240.5(NPHP3):c.449C>T (p.Ala150Val)

Genes: NPHP3 (nephrocystin 3; minus strand), NPHP3-ACAD11 (NPHP3-ACAD11 readthrough (NMD candidate); minus strand). Cytogenetic location: 3q22.1.
Variant type: single nucleotide variant.
Coding change: c.449C>T on transcript NM_153240.5 (MANE Select); coding-DNA position 449, C replaced by T.
Protein change: p.Ala150Val; replaces alanine 150 with valine.
Molecular consequence: missense variant. On other transcripts: non-coding transcript variant (1).
Genome position (GRCh38, 1-based): chr3:132,719,775, G>A on the plus strand (C>T on the coding strand, the complement: NPHP3 is on the minus strand). VCF-style: chr3-132719775-G-A. GRCh37 (hg19) VCF-style: chr3-132438619-G-A.
Other names: p.Ala150Val; short protein forms A150V.
Identifiers: ClinVar variation 241998 (VCV000241998.24), dbSNP rs142663818, ClinGen allele CA2622605.
Genomic context (GRCh38, chr3:132,719,775, plus strand): 5'-CTTTTAACTTTATCTCTGTCATGTTCAAATGTTGCTGCTCTCTCCATTGCTTGGTATTTC[G>A]CTTCTAAAGCACTTTCTTTTTCTCGAAGTATCTTCTGATACGTTTTTTGAAGTGCCTAGA-3'
Protein context (NP_694972.3, residues 140-160): ILREKESALE[Ala150Val]KYQAMERAAT